The following is an entry in ClinVar:

ClinVar aggregate classification (germline): Uncertain significance (1 of 4 stars; one submission).

Conditions:
Polycystic kidney disease, adult type (PKD1). Also called: Polycystic Kidney Disease 1, Autosomal Dominant; Polycystic kidney disease 1; Polycystic kidney disease 1, severe; POLYCYSTIC KIDNEY DISEASE, ADULT, TYPE I; POLYCYSTIC KIDNEY DISEASE 1 WITH OR WITHOUT POLYCYSTIC LIVER DISEASE; Polycystic Kidney, Autosomal Dominant. Identifiers: MedGen C3149841, MONDO:0008263, OMIM 173900.

Submission:

Juno Genomics, Hangzhou Juno Genomics, Inc
Classification: Uncertain significance for Polycystic kidney disease, adult type. Review status: criteria provided, single submitter. Criteria: ACMG Guidelines, 2015. Collection method: clinical testing. Allele origin: germline.
Comment: Absent from controls (or at extremely low frequency if recessive) in Genome Aggregation Database.

NM_001009944.3(PKD1):c.6670C>A (p.Pro2224Thr)

Gene: PKD1 (polycystin 1, transient receptor potential channel interacting; minus strand). Cytogenetic location: 16p13.3.
Variant type: single nucleotide variant.
Coding change: c.6670C>A on transcript NM_001009944.3 (MANE Select); coding-DNA position 6670, C replaced by A.
Protein change: p.Pro2224Thr; replaces proline 2224 with threonine.
Molecular consequence: missense variant.
Genome position (GRCh38, 1-based): chr16:2,108,497, G>T on the plus strand (C>A on the coding strand, the complement: PKD1 is on the minus strand). VCF-style: chr16-2108497-G-T. GRCh37 (hg19) VCF-style: chr16-2158498-G-T.
Other names: c.6670C>A, p.Pro2224Thr (NM_000296.4); short protein forms P2224T.
Identifiers: ClinVar variation 5018990 (VCV005018990.2).